The following is an entry in ClinVar:

NM_006445.4(PRPF8):c.1142C>T (p.Pro381Leu)

Gene: PRPF8 (pre-mRNA processing factor 8; minus strand). Cytogenetic location: 17p13.3.
Variant type: single nucleotide variant.
Coding change: c.1142C>T on transcript NM_006445.4 (MANE Select); coding-DNA position 1142, C replaced by T.
Protein change: p.Pro381Leu; replaces proline 381 with leucine.
Molecular consequence: missense variant.
Genome position (GRCh38, 1-based): chr17:1,679,756, G>A on the plus strand (C>T on the coding strand, the complement: PRPF8 is on the minus strand). VCF-style: chr17-1679756-G-A. GRCh37 (hg19) VCF-style: chr17-1583050-G-A.
Other names: short protein forms P381L.
Identifiers: ClinVar variation 1411514 (VCV001411514.7), dbSNP rs745441870, ClinGen allele CA8272429.
Genomic context (GRCh38, chr17:1,679,756, plus strand): 5'-CCATTGGCTGTATTGTCTGTATAGAGGGGTGTGTCCTTCAGGAAGGGCTCCACAAACTCC[G>A]GGAGCTCAAATTCCTCATCATCATCCGGCAATGGTTCCTGGCTCTGAAAAAGGAATCCCT-3'
Protein context (NP_006436.3, residues 371-391): LPDDDEEFEL[Pro381Leu]EFVEPFLKDT

ClinVar aggregate classification (germline): Conflicting classifications of pathogenicity. Review status: criteria provided, conflicting classifications (1 of 4 stars). 2 submissions from 2 submitters: Uncertain significance (1); Benign (1). Last evaluated 2023-10-01.

Conditions:
Retinal dystrophy. Also called: Inherited retinal dystrophy. Identifiers: Orphanet 71862, MedGen C0854723, MeSH D058499, MONDO:0019118, HP:0000556.

Allele frequency attached by ClinVar (database versions not stated): gnomAD exomes 0.00001 and 0.00002; ExAC 0.00002; gnomAD 0.00002.
gnomAD v4.1: 22 of 1,614,040 alleles (0.0014%); highest among the groups gnomAD compares: East Asian, 0.025%; no homozygotes.

Submissions (2):

Dept Of Ophthalmology, Nagoya University
Classification: Benign for Retinal dystrophy. Last evaluated: 2023-10-01. Review status: criteria provided, single submitter. Criteria: Submitter's publication. Collection method: research. Allele origin: germline. Affected: yes.

Labcorp Genetics (formerly Invitae), Labcorp
Classification: Uncertain significance. Last evaluated: 2022-07-26. Review status: criteria provided, single submitter. Criteria: Invitae Variant Classification Sherloc (09022015). Collection method: clinical testing. Allele origin: germline.
Comment: This variant has not been reported in the literature in individuals affected with PRPF8-related conditions. In summary, the available evidence is currently insufficient to determine the role of this variant in disease. Therefore, it has been classified as a Variant of Uncertain Significance. Algorithms developed to predict the effect of missense changes on protein structure and function are either unavailable or do not agree on the potential impact of this missense change (SIFT: "Deleterious"; PolyPhen-2: "Benign"; Align-GVGD: "Class C0"). ClinVar contains an entry for this variant (Variation ID: 1411514). This variant is present in population databases (rs745441870, gnomAD 0.006%). This sequence change replaces proline, which is neutral and non-polar, with leucine, which is neutral and non-polar, at codon 381 of the PRPF8 protein (p.Pro381Leu).